The following is an entry in ClinVar:

ClinVar aggregate classification (germline): Pathogenic/Likely pathogenic. Review status: criteria provided, multiple submitters, no conflicts (2 of 4 stars). 2 submissions from 2 submitters: Pathogenic (1); Likely pathogenic (1). Last evaluated 2025-12-12.

Conditions:
Hypertrophic cardiomyopathy 26. Also called: Cardiomyopathy, familial hypertrophic, 26. Identifiers: Orphanet 75249, MedGen C4310749, MONDO:0014883, OMIM 617047.

Submissions (2):

Clinical Genetics Laboratory, University Hospital Schleswig-Holstein
Classification: Pathogenic for Hypertrophic cardiomyopathy 26. Last evaluated: 2025-12-12. Review status: criteria provided, single submitter. Criteria: ACMG Guidelines, 2015. Collection method: clinical testing. Allele origin: germline. Affected: yes. Observed: 1 heterozygote.
Comment: ACMG criteria applied: PM2, PVS1

Clinical Genetics Service, Universitary Hospital 12 de Octubre
Classification: Likely pathogenic for Hypertrophic cardiomyopathy 26. Review status: criteria provided, single submitter. Criteria: ACMG Guidelines, 2015. Collection method: clinical testing. Allele origin: germline. Affected: yes.

NM_001458.5(FLNC):c.1825G>T (p.Glu609Ter)

Gene: FLNC (filamin C; plus strand). Cytogenetic location: 7q32.1.
Variant type: single nucleotide variant.
Coding change: c.1825G>T on transcript NM_001458.5 (MANE Select); coding-DNA position 1825, G replaced by T.
Protein change: p.Glu609Ter; replaces glutamic acid 609 with a stop codon.
Molecular consequence: nonsense.
Genome position (GRCh38, 1-based): chr7:128,841,181, G>T. VCF-style: chr7-128841181-G-T. GRCh37 (hg19) VCF-style: chr7-128481235-G-T.
Other names: c.1825G>T, p.Glu609Ter (NM_001127487.2); short protein forms E609*.
Identifiers: ClinVar variation 4891541 (VCV004891541.2).